The following is an entry in ClinVar:

NM_001393504.1(MAST3):c.108T>A (p.Gly36=)

Gene: MAST3 (microtubule associated serine/threonine kinase 3; plus strand). Cytogenetic location: 19p13.11.
Variant type: single nucleotide variant.
Coding change: c.108T>A on transcript NM_001393504.1 (MANE Select); coding-DNA position 108, T replaced by A.
Protein change: p.Gly36=; no amino-acid change (glycine 36 retained).
Molecular consequence: synonymous variant. On other transcripts: intron variant (10).
Genome position (GRCh38, 1-based): chr19:18,110,688, T>A. VCF-style: chr19-18110688-T-A. GRCh37 (hg19) VCF-style: chr19-18221498-T-A.
Other names: c.108T>A, p.Gly36= (NM_001393501.1, NM_001393502.1); c.84T>A, p.Gly28= (NM_001393503.1, NM_001393505.1, NM_001393507.1); c.71+3070T>A (NM_001393508.1, NM_001393516.1, NM_001393514.1 and 6 more transcripts); c.47+322T>A (NM_001393521.1).
Identifiers: ClinVar variation 4873590 (VCV004873590.2).

ClinVar aggregate classification (germline): Likely benign (1 of 4 stars; one submission).

Submission:

CeGaT Center for Human Genetics Tuebingen
Classification: Likely benign. Last evaluated: 2026-07-01. Review status: criteria provided, single submitter. Criteria: CeGaT Center For Human Genetics Tuebingen Variant Classification Criteria Version 2. Collection method: clinical testing. Allele origin: germline. Affected: yes. Observed: 3 variant alleles.
Comment: MAST3: PM2:Supporting, BP4, BP7